The following is an entry in ClinVar:

ClinVar aggregate classification (germline): Uncertain significance. Review status: criteria provided, multiple submitters, no conflicts (2 of 4 stars). 3 submissions from 3 submitters: Uncertain significance (3). Last evaluated 2025-08-14.

Conditions:
Inborn genetic diseases. Identifiers: MedGen C0950123, MeSH D030342.

Allele frequency attached by ClinVar (database versions not stated): gnomAD below 0.00001 and 0.00003; TOPMed 0.00001; gnomAD exomes 0.00007 and 0.00014; ExAC 0.00015.
gnomAD v4.1: 106 of 1,614,044 alleles (0.0066%); highest among the groups gnomAD compares: South Asian, 0.11%; no homozygotes.

Submissions (3):

Ambry Genetics
Classification: Uncertain significance for Inborn genetic diseases. Last evaluated: 2025-08-14. Review status: criteria provided, single submitter. Criteria: Ambry Variant Classification Scheme 2023. Collection method: clinical testing. Allele origin: germline.

Blueprint Genetics
Classification: Uncertain significance. Last evaluated: 2024-11-26. Review status: criteria provided, single submitter. Criteria: ACMG Guidelines, 2015. Collection method: clinical testing. Allele origin: germline.

Labcorp Genetics (formerly Invitae), Labcorp
Classification: Uncertain significance. Last evaluated: 2024-08-23. Review status: criteria provided, single submitter. Criteria: Invitae Variant Classification Sherloc (09022015). Collection method: clinical testing. Allele origin: germline.
Comment: This sequence change replaces glutamic acid, which is acidic and polar, with glycine, which is neutral and non-polar, at codon 234 of the LRIT3 protein (p.Glu234Gly). This variant is present in population databases (rs781287955, gnomAD 0.1%). This variant has not been reported in the literature in individuals affected with LRIT3-related conditions. ClinVar contains an entry for this variant (Variation ID: 838527). An algorithm developed to predict the effect of missense changes on protein structure and function outputs the following: PolyPhen-2: "Benign". The glycine amino acid residue is found in multiple mammalian species, which suggests that this missense change does not adversely affect protein function. In summary, the available evidence is currently insufficient to determine the role of this variant in disease. Therefore, it has been classified as a Variant of Uncertain Significance.

NM_198506.5(LRIT3):c.701A>G (p.Glu234Gly)

Gene: LRIT3 (leucine rich repeat, Ig-like and transmembrane domains 3; plus strand). Cytogenetic location: 4q25.
Variant type: single nucleotide variant.
Coding change: c.701A>G on transcript NM_198506.5 (MANE Select); coding-DNA position 701, A replaced by G.
Protein change: p.Glu234Gly; replaces glutamic acid 234 with glycine.
Molecular consequence: missense variant.
Genome position (GRCh38, 1-based): chr4:109,867,752, A>G. VCF-style: chr4-109867752-A-G. GRCh37 (hg19) VCF-style: chr4-110788908-A-G.
Other names: c.566A>G (NM_198506.2); short protein forms E234G.
Identifiers: ClinVar variation 838527 (VCV000838527.8), dbSNP rs781287955, ClinGen allele CA3043048.